The following is an entry in ClinVar:

ClinVar aggregate classification (germline): Pathogenic (1 of 4 stars; one submission).

Submission:

Labcorp Genetics (formerly Invitae), Labcorp
Classification: Pathogenic. Last evaluated: 2023-07-06. Review status: criteria provided, single submitter. Criteria: Invitae Variant Classification Sherloc (09022015). Collection method: clinical testing. Allele origin: germline.
Comment: This sequence change creates a premature translational stop signal (p.Ile90Asnfs*14) in the LARP7 gene. It is expected to result in an absent or disrupted protein product. Loss-of-function variants in LARP7 are known to be pathogenic (PMID: 22865833, 26374271, 26607181). This variant is present in population databases (no rsID available, gnomAD 0.002%). This variant has not been reported in the literature in individuals affected with LARP7-related conditions. For these reasons, this variant has been classified as Pathogenic.

Literature cited by the submitters: PubMed 22865833; PubMed 26374271; PubMed 26607181.

NM_016648.4(LARP7):c.268dup (p.Ile90fs)

Gene: LARP7 (La ribonucleoprotein 7, transcriptional regulator; plus strand). Cytogenetic location: 4q25.
Variant type: Duplication.
Coding change: c.268dup on transcript NM_016648.4 (MANE Select); coding-DNA position 268, one base duplicated (A; older notation c.268dupA).
Protein change: p.Ile90fs; shifts the reading frame from isoleucine 90.
Molecular consequence: frameshift variant.
Genome position (GRCh38, 1-based): chr4:112,646,416, A duplicated; the last of 2 consecutive A bases (chr4:112,646,415-112,646,416); duplicating either gives the same sequence. VCF-style (leftmost placement, unchanged base first): chr4-112646414-T-TA. GRCh37 (hg19) VCF-style: chr4-113567570-T-TA.
Other names: c.268dup, p.Ile90fs (NM_001267039.4, NM_001370974.1, NM_001370975.1 and 6 more transcripts); c.31dup, p.Ile11fs (NM_001370981.1, NM_001370982.1); short protein forms I90fs, I11fs.
Identifiers: ClinVar variation 2996235 (VCV002996235.3), dbSNP rs1351698030, ClinGen allele CA554146474.